The following is an entry in ClinVar:

NM_001291415.2(KDM6A):c.3985A>G (p.Met1329Val)

Gene: KDM6A (lysine demethylase 6A; plus strand). Cytogenetic location: Xp11.3.
Variant type: single nucleotide variant.
Coding change: c.3985A>G on transcript NM_001291415.2 (MANE Select); coding-DNA position 3985, A replaced by G.
Protein change: p.Met1329Val; replaces methionine 1329 with valine.
Molecular consequence: missense variant. On other transcripts: non-coding transcript variant (1).
Genome position (GRCh38, 1-based): chrX:45,090,815, A>G. VCF-style: chrX-45090815-A-G. GRCh37 (hg19) VCF-style: chrX-44950060-A-G.
Other names: c.3850A>G, p.Met1284Val (NM_001291416.2); c.3694A>G, p.Met1232Val (NM_001291417.2); c.3592A>G, p.Met1198Val (NM_001291418.2); c.2941A>G, p.Met981Val (NM_001291421.2); c.3829A>G, p.Met1277Val (NM_021140.4); short protein forms M1198V, M1232V, M1277V, M1284V, M1329V, M981V.
Identifiers: ClinVar variation 1695481 (VCV001695481.2), dbSNP rs2148204581, ClinGen allele CA412808500.
Genomic context (GRCh38, chrX:45,090,815, plus strand): 5'-GAATGGAACAAATTGCAAAGTGTGAAGTCAATAGTACCCATGGTTCATCTTTCCTGGAAT[A>G]TGGCACGAAATATCAAGGTCTCAGATCCAAAGCTTTTTGAAATGATTAAGTAAGTCTTTT-3'
Protein context (NP_001278344.1, residues 1319-1339): IVPMVHLSWN[Met1329Val]ARNIKVSDPK

ClinVar aggregate classification (germline): Uncertain significance (1 of 4 stars; one submission).

Submission:

GeneDx
Classification: Uncertain significance. Last evaluated: 2022-07-05. Review status: criteria provided, single submitter. Criteria: GeneDx Variant Classification Process June 2021. Collection method: clinical testing. Allele origin: germline. Affected: yes.
Comment: Not observed at significant frequency in large population cohorts (gnomAD); In silico analysis supports that this missense variant has a deleterious effect on protein structure/function; Has not been previously published as pathogenic or benign to our knowledge